The following is an entry in ClinVar:

NM_145239.3(PRRT2):c.-15dup

Genes: MVP-DT (MVP divergent transcript; minus strand), PRRT2 (proline rich transmembrane protein 2; plus strand). Cytogenetic location: 16p11.2.
Variant type: Duplication.
Coding change: c.-15dup on transcript NM_145239.3 (MANE Select); 15 bases upstream of the start codon, one base duplicated (C; older notation c.-15dupC).
Molecular consequence: 5 prime UTR variant.
Genome position (GRCh38, 1-based): chr16:29,813,040, C duplicated; the last of 4 consecutive C bases (chr16:29,813,037-29,813,040); duplicating any one gives the same sequence. VCF-style (leftmost placement, unchanged base first): chr16-29813036-T-TC. GRCh37 (hg19) VCF-style: chr16-29824357-T-TC.
Other names: c.-15dup (NM_001256442.2, NM_001256443.2).
Identifiers: ClinVar variation 681547 (VCV000681547.1), dbSNP rs1596889604, ClinGen allele CA915949227.

ClinVar aggregate classification (germline): Likely benign (1 of 4 stars; one submission).

Submission:

GeneDx
Classification: Likely benign. Last evaluated: 2018-04-05. Review status: criteria provided, single submitter. Criteria: GeneDx Variant Classification (06012015). Collection method: clinical testing. Allele origin: germline. Affected: yes.
Comment: This variant is considered likely benign or benign based on one or more of the following criteria: it is a conservative change, it occurs at a poorly conserved position in the protein, it is predicted to be benign by multiple in silico algorithms, and/or has population frequency not consistent with disease.